The following is an entry in ClinVar:

NM_182914.3(SYNE2):c.10327G>T (p.Val3443Leu)

Gene: SYNE2 (spectrin repeat containing nuclear envelope protein 2; plus strand). Cytogenetic location: 14q23.2.
Variant type: single nucleotide variant.
Coding change: c.10327G>T on transcript NM_182914.3 (MANE Select); coding-DNA position 10327, G replaced by T.
Protein change: p.Val3443Leu; replaces valine 3443 with leucine.
Molecular consequence: missense variant.
Genome position (GRCh38, 1-based): chr14:64,065,546, G>T. VCF-style: chr14-64065546-G-T. GRCh37 (hg19) VCF-style: chr14-64532264-G-T.
Other names: c.10327G>T, p.Val3443Leu (NM_015180.6); short protein forms V3443L.
Identifiers: ClinVar variation 1413636 (VCV001413636.8), dbSNP rs564182126, ClinGen allele CA389991356.

ClinVar aggregate classification (germline): Uncertain significance (1 of 4 stars; one submission).

Conditions:
Emery-Dreifuss muscular dystrophy 5, autosomal dominant (EDMD5). Also called: EMERY-DREIFUSS MUSCULAR DYSTROPHY 5. Identifiers: Orphanet 261, MedGen C2751805, MONDO:0013072, OMIM 612999.

gnomAD v4.1: 3 of 1,614,032 alleles (0.00019%); highest among the groups gnomAD compares: South Asian, 0.0011%; no homozygotes.

Submission:

Labcorp Genetics (formerly Invitae), Labcorp
Classification: Uncertain significance for Emery-Dreifuss muscular dystrophy 5, autosomal dominant. Last evaluated: 2021-09-20. Review status: criteria provided, single submitter. Criteria: Invitae Variant Classification Sherloc (09022015). Collection method: clinical testing. Allele origin: germline.
Comment: This sequence change replaces valine with leucine at codon 3443 of the SYNE2 protein (p.Val3443Leu). The valine residue is weakly conserved and there is a small physicochemical difference between valine and leucine. This variant is not present in population databases (ExAC no frequency). This variant has not been reported in the literature in individuals with SYNE2-related conditions. Algorithms developed to predict the effect of missense changes on protein structure and function output the following: SIFT: "Tolerated"; PolyPhen-2: "Benign"; Align-GVGD: "Class C0". The leucine amino acid residue is found in multiple mammalian species, suggesting that this missense change does not adversely affect protein function. These predictions have not been confirmed by published functional studies and their clinical significance is uncertain. In summary, the available evidence is currently insufficient to determine the role of this variant in disease. Therefore, it has been classified as a Variant of Uncertain Significance.